The following is an entry in ClinVar:

NM_020779.4(WDR35):c.741C>T (p.Pro247=)

Gene: WDR35 (WD repeat domain 35; minus strand). Cytogenetic location: 2p24.1.
Variant type: single nucleotide variant.
Coding change: c.741C>T on transcript NM_020779.4 (MANE Select); coding-DNA position 741, C replaced by T.
Protein change: p.Pro247=; no amino-acid change (proline 247 retained).
Molecular consequence: synonymous variant.
Genome position (GRCh38, 1-based): chr2:19,973,704, G>A on the plus strand (C>T on the coding strand, the complement: WDR35 is on the minus strand). VCF-style: chr2-19973704-G-A. GRCh37 (hg19) VCF-style: chr2-20173465-G-A.
Other names: c.741C>T, p.Pro247= (NM_001006657.2).
Identifiers: ClinVar variation 3032181 (VCV003032181.2), dbSNP rs766515427, ClinGen allele CA1543442.

ClinVar aggregate classification (germline): Likely benign (0 of 4 stars; one submission).

Conditions:
WDR35-related disorder. Also called: WDR35-related condition; WDR35-related disorders. Identifiers: MedGen CN239419.

Allele frequency attached by ClinVar (database versions not stated): gnomAD 0.00001; gnomAD exomes 0.00002; TOPMed 0.00002; ExAC 0.00005.
gnomAD v4.1: 32 of 1,613,104 alleles (0.002%); highest among the groups gnomAD compares: East Asian, 0.013%; no homozygotes.

Submission:

PreventionGenetics, part of Exact Sciences
Classification: Likely benign for WDR35-related condition. Last evaluated: 2023-08-15. Review status: no assertion criteria provided. Collection method: clinical testing. Allele origin: germline.
Comment: This variant is classified as likely benign based on ACMG/AMP sequence variant interpretation guidelines (Richards et al. 2015 PMID: 25741868, with internal and published modifications).